The following is an entry in ClinVar:

ClinVar aggregate classification (germline): Uncertain significance. Review status: criteria provided, multiple submitters, no conflicts (2 of 4 stars). 2 submissions from 2 submitters: Uncertain significance (2). Last evaluated 2025-01-31.

Conditions:
Hypertrophic cardiomyopathy 14. Identifiers: MedGen C2750467, MONDO:0013197, OMIM 613251.
Cardiovascular phenotype. Identifiers: MedGen CN230736.

Allele frequency attached by ClinVar (database versions not stated): gnomAD 0.00003 and 0.00004; TOPMed 0.00004.
gnomAD v4.1: 29 of 1,613,848 alleles (0.0018%); highest among the groups gnomAD compares: African/African-American, 0.0067%; no homozygotes.

Submissions (2):

Ambry Genetics
Classification: Uncertain significance for Cardiovascular phenotype. Last evaluated: 2025-01-31. Review status: criteria provided, single submitter. Criteria: Ambry Variant Classification Scheme 2023. Collection method: clinical testing. Allele origin: germline.
Comment: The p.R725H variant (also known as c.2174G>A), located in coding exon 17 of the MYH6 gene, results from a G to A substitution at nucleotide position 2174. The arginine at codon 725 is replaced by histidine, an amino acid with highly similar properties. This amino acid position is well conserved in available vertebrate species. In addition, the in silico prediction for this alteration is inconclusive. Based on the available evidence, the clinical significance of this variant remains unclear.

Labcorp Genetics (formerly Invitae), Labcorp
Classification: Uncertain significance for Hypertrophic cardiomyopathy 14. Last evaluated: 2023-07-21. Review status: criteria provided, single submitter. Criteria: Invitae Variant Classification Sherloc (09022015). Collection method: clinical testing. Allele origin: germline.
Comment: In summary, the available evidence is currently insufficient to determine the role of this variant in disease. Therefore, it has been classified as a Variant of Uncertain Significance. This sequence change replaces arginine, which is basic and polar, with histidine, which is basic and polar, at codon 725 of the MYH6 protein (p.Arg725His). This variant is present in population databases (no rsID available, gnomAD 0.002%). This variant has not been reported in the literature in individuals affected with MYH6-related conditions. ClinVar contains an entry for this variant (Variation ID: 537950). Advanced modeling of protein sequence and biophysical properties (such as structural, functional, and spatial information, amino acid conservation, physicochemical variation, residue mobility, and thermodynamic stability) performed at Invitae indicates that this missense variant is expected to disrupt MYH6 protein function.

NM_002471.4(MYH6):c.2174G>A (p.Arg725His)

Gene: MYH6 (myosin heavy chain 6; minus strand). Cytogenetic location: 14q11.2.
Variant type: single nucleotide variant.
Coding change: c.2174G>A on transcript NM_002471.4 (MANE Select); coding-DNA position 2174, G replaced by A.
Protein change: p.Arg725His; replaces arginine 725 with histidine.
Molecular consequence: missense variant.
Genome position (GRCh38, 1-based): chr14:23,396,812, C>T on the plus strand (G>A on the coding strand, the complement: MYH6 is on the minus strand). VCF-style: chr14-23396812-C-T. GRCh37 (hg19) VCF-style: chr14-23866021-C-T.
Other names: short protein forms R725H.
Identifiers: ClinVar variation 537950 (VCV000537950.11), dbSNP rs781467923, ClinGen allele CA257789576.